The following is an entry in ClinVar:

NM_000388.4(CASR):c.926A>T (p.Gln309Leu)

Gene: CASR (calcium sensing receptor; plus strand). Cytogenetic location: 3q21.1.
Variant type: single nucleotide variant.
Coding change: c.926A>T on transcript NM_000388.4 (MANE Select); coding-DNA position 926, A replaced by T.
Protein change: p.Gln309Leu; replaces glutamine 309 with leucine.
Molecular consequence: missense variant.
Genome position (GRCh38, 1-based): chr3:122,261,961, A>T. VCF-style: chr3-122261961-A-T. GRCh37 (hg19) VCF-style: chr3-121980808-A-T.
Other names: c.926A>T, p.Gln309Leu (NM_001178065.2); short protein forms Q309L.
Identifiers: ClinVar variation 1476209 (VCV001476209.8), dbSNP rs1576858741, ClinGen allele CA354151648.

ClinVar aggregate classification (germline): Uncertain significance (1 of 4 stars; one submission).

Conditions:
Autosomal dominant hypocalcemia 1 (HYPOC1). Also called: HYPOCALCEMIA, FAMILIAL. Identifiers: MedGen C3715128, MONDO:0011013, OMIM 601198.
Familial hypocalciuric hypercalcemia (FHH). Also called: Familial benign hypercalcemia. Identifiers: Orphanet 405, MedGen C1809471, MONDO:0018458.

gnomAD v4.1: 2 of 1,614,206 alleles (0.00012%); highest among the groups gnomAD compares: Non-Finnish European, 0.00017%; no homozygotes.

Submission:

Labcorp Genetics (formerly Invitae), Labcorp
Classification: Uncertain significance for Familial hypocalciuric hypercalcemia; Autosomal dominant hypocalcemia 1. Last evaluated: 2021-01-25. Review status: criteria provided, single submitter. Criteria: Invitae Variant Classification Sherloc (09022015). Collection method: clinical testing. Allele origin: germline.
Comment: In summary, the available evidence is currently insufficient to determine the role of this variant in disease. Therefore, it has been classified as a Variant of Uncertain Significance. Algorithms developed to predict the effect of missense changes on protein structure and function are either unavailable or do not agree on the potential impact of this missense change (SIFT: "Deleterious"; PolyPhen-2: "Benign"; Align-GVGD: "Class C25"). This variant has not been reported in the literature in individuals with CASR-related conditions. This variant is not present in population databases (ExAC no frequency). This sequence change replaces glutamine with leucine at codon 309 of the CASR protein (p.Gln309Leu). The glutamine residue is weakly conserved and there is a moderate physicochemical difference between glutamine and leucine.